The following is an entry in ClinVar:

NM_032119.4(ADGRV1):c.18025C>T (p.Arg6009Ter)

Gene: ADGRV1 (adhesion G protein-coupled receptor V1; plus strand). Cytogenetic location: 5q14.3.
Variant type: single nucleotide variant.
Coding change: c.18025C>T on transcript NM_032119.4 (MANE Select); coding-DNA position 18025, C replaced by T.
Protein change: p.Arg6009Ter; replaces arginine 6009 with a stop codon.
Molecular consequence: nonsense. On other transcripts: non-coding transcript variant (1).
Genome position (GRCh38, 1-based): chr5:90,985,395, C>T. VCF-style: chr5-90985395-C-T. GRCh37 (hg19) VCF-style: chr5-90281212-C-T.
Other names: c.18025C>T (NM_032119.3); short protein forms R6009*.
Identifiers: ClinVar variation 1069711 (VCV001069711.10), dbSNP rs1462031084, ClinGen allele CA360429147.

ClinVar aggregate classification (germline): Pathogenic/Likely pathogenic. Review status: criteria provided, multiple submitters, no conflicts (2 of 4 stars). 4 submissions from 4 submitters: Pathogenic (2); Likely pathogenic (2). Last evaluated 2024-11-26.

Conditions:
ADGRV1-related disorder. Also called: ADGRV1-related disorders; ADGRV1-related condition.
Retinal dystrophy. Also called: Inherited retinal dystrophy. Identifiers: Orphanet 71862, MedGen C0854723, MeSH D058499, MONDO:0019118, HP:0000556.

Allele frequency attached by ClinVar (database versions not stated): TOPMed below 0.00001; gnomAD 0.00001.
gnomAD v4.1: 21 of 1,613,390 alleles (0.0013%); highest among the groups gnomAD compares: South Asian, 0.0033%; no homozygotes.

Submissions (4):

Blueprint Genetics
Classification: Likely pathogenic for ADGRV1-related disorders. Last evaluated: 2024-11-26. Review status: criteria provided, single submitter. Criteria: ACMG Guidelines, 2015. Collection method: clinical testing. Allele origin: germline. Affected: yes. Observed: 5 variant alleles.

GeneDx
Classification: Likely pathogenic. Last evaluated: 2024-06-12. Review status: criteria provided, single submitter. Criteria: GeneDx Variant Classification Process June 2021. Collection method: clinical testing. Allele origin: germline. Affected: yes.
Comment: Observed in two patients with Usher syndrome; however, no second ADGRV1 variant was identified for either patient (PMID: 35055178, 27460420); Nonsense variant predicted to result in protein truncation or nonsense mediated decay in a gene for which loss of function is a known mechanism of disease; Not observed at significant frequency in large population cohorts (gnomAD); This variant is associated with the following publications: (PMID: 27460420, 35055178)

Labcorp Genetics (formerly Invitae), Labcorp
Classification: Pathogenic. Last evaluated: 2023-12-19. Review status: criteria provided, single submitter. Criteria: Invitae Variant Classification Sherloc (09022015). Collection method: clinical testing. Allele origin: germline.
Comment: This sequence change creates a premature translational stop signal (p.Arg6009*) in the ADGRV1 gene. It is expected to result in an absent or disrupted protein product. Loss-of-function variants in ADGRV1 are known to be pathogenic (PMID: 19357117, 22135276, 22147658, 26226137, 30718709, 31047384, 32467589). This variant is not present in population databases (gnomAD no frequency). This premature translational stop signal has been observed in individual(s) with clinical features of Usher syndrome (PMID: 27460420). ClinVar contains an entry for this variant (Variation ID: 1069711). For these reasons, this variant has been classified as Pathogenic.

Institute of Human Genetics, Univ. Regensburg, Univ. Regensburg
Classification: Pathogenic for Retinal dystrophy. Last evaluated: 2018-01-01. Review status: criteria provided, single submitter. Criteria: ACMG Guidelines, 2015. Collection method: clinical testing. Allele origin: germline. Affected: yes.

Literature cited by the submitters: PubMed 19357117 (cited by Labcorp Genetics (formerly Invitae), Labcorp); PubMed 22135276 (cited by Labcorp Genetics (formerly Invitae), Labcorp); PubMed 22147658 (cited by Labcorp Genetics (formerly Invitae), Labcorp); PubMed 26226137 (cited by Labcorp Genetics (formerly Invitae), Labcorp); PubMed 30718709 (cited by Labcorp Genetics (formerly Invitae), Labcorp); PubMed 31047384 (cited by Labcorp Genetics (formerly Invitae), Labcorp); PubMed 32467589 (cited by Labcorp Genetics (formerly Invitae), Labcorp); PubMed 27460420 (cited by Labcorp Genetics (formerly Invitae), Labcorp and Institute of Human Genetics, Univ. Regensburg, Univ. Regensburg); PubMed 3505517 (cited by Institute of Human Genetics, Univ. Regensburg, Univ. Regensburg).